The following is an entry in ClinVar:

ClinVar aggregate classification (germline): Uncertain significance. Review status: criteria provided, multiple submitters, no conflicts (2 of 4 stars). 3 submissions from 3 submitters: Uncertain significance (3). Last evaluated 2025-12-18.

Conditions:
Adams-Oliver syndrome 5 (AOS5). Identifiers: Orphanet 974, MedGen C4014970, MONDO:0014459, OMIM 616028.

Allele frequency attached by ClinVar (database versions not stated): gnomAD exomes 0.00002; TOPMed below 0.00001.
gnomAD v4.1: 23 of 1,582,226 alleles (0.0015%); highest among the groups gnomAD compares: Admixed American, 0.0073%; no homozygotes.

Submissions (3):

Labcorp Genetics (formerly Invitae), Labcorp
Classification: Uncertain significance for Adams-Oliver syndrome 5. Last evaluated: 2025-12-18. Review status: criteria provided, single submitter. Criteria: Invitae Variant Classification Sherloc (09022015). Collection method: clinical testing. Allele origin: germline.
Comment: This sequence change replaces glycine, which is neutral and non-polar, with serine, which is neutral and polar, at codon 1612 of the NOTCH1 protein (p.Gly1612Ser). This variant is present in population databases (no rsID available, gnomAD 0.007%). This missense change has been observed in individual(s) with bicuspid aortic valve (PMID: 35288444). ClinVar contains an entry for this variant (Variation ID: 1677787). Invitae Evidence Modeling of protein sequence and biophysical properties (such as structural, functional, and spatial information, amino acid conservation, physicochemical variation, residue mobility, and thermodynamic stability) indicates that this missense variant is not expected to disrupt NOTCH1 protein function with a negative predictive value of 80%. In summary, the available evidence is currently insufficient to determine the role of this variant in disease. Therefore, it has been classified as a Variant of Uncertain Significance.

GeneDx
Classification: Uncertain significance. Last evaluated: 2024-08-29. Review status: criteria provided, single submitter. Criteria: GeneDx Variant Classification Process June 2021. Collection method: clinical testing. Allele origin: germline. Affected: yes.
Comment: Identified in a patient with bicuspid aortic valve in published literature (PMID: 35288444); Not observed at significant frequency in large population cohorts (gnomAD); In silico analysis supports that this missense variant has a deleterious effect on protein structure/function; This variant is associated with the following publications: (PMID: 35288444)

AiLife Diagnostics
Classification: Uncertain significance. Last evaluated: 2022-01-07. Review status: criteria provided, single submitter. Criteria: ACMG Guidelines, 2015. Collection method: clinical testing. Allele origin: germline. Affected: yes. Observed: 1 variant allele.

Literature cited by the submitters: PubMed 35288444 (cited by Labcorp Genetics (formerly Invitae), Labcorp).

NM_017617.5(NOTCH1):c.4834G>A (p.Gly1612Ser)

Gene: NOTCH1 (notch receptor 1; minus strand). Cytogenetic location: 9q34.3.
Variant type: single nucleotide variant.
Coding change: c.4834G>A on transcript NM_017617.5 (MANE Select); coding-DNA position 4834, G replaced by A.
Protein change: p.Gly1612Ser; replaces glycine 1612 with serine.
Molecular consequence: missense variant.
Genome position (GRCh38, 1-based): chr9:136,504,857, C>T on the plus strand (G>A on the coding strand, the complement: NOTCH1 is on the minus strand). VCF-style: chr9-136504857-C-T. GRCh37 (hg19) VCF-style: chr9-139399309-C-T.
Other names: c.4834G>A (NM_017617.3); short protein forms G1612S.
Identifiers: ClinVar variation 1677787 (VCV001677787.5), dbSNP rs1166328821, ClinGen allele CA375644773.